The following is an entry in ClinVar:

NM_015557.3(CHD5):c.5565C>T (p.Ala1855=)

Gene: CHD5 (chromodomain helicase DNA binding protein 5; minus strand). Cytogenetic location: 1p36.31.
Variant type: single nucleotide variant.
Coding change: c.5565C>T on transcript NM_015557.3 (MANE Select); coding-DNA position 5565, C replaced by T.
Protein change: p.Ala1855=; no amino-acid change (alanine 1855 retained).
Molecular consequence: synonymous variant.
Genome position (GRCh38, 1-based): chr1:6,109,808, G>A on the plus strand (C>T on the coding strand, the complement: CHD5 is on the minus strand). VCF-style: chr1-6109808-G-A. GRCh37 (hg19) VCF-style: chr1-6169868-G-A.
Identifiers: ClinVar variation 3350887 (VCV003350887.1).

ClinVar aggregate classification (germline): Likely benign (0 of 4 stars; one submission).

Conditions:
CHD5-related disorder. Also called: CHD5-related condition.

gnomAD v4.1: 76 of 1,612,462 alleles (0.0047%); highest among the groups gnomAD compares: African/African-American, 0.063%; 1 homozygote.

Submission:

PreventionGenetics, part of Exact Sciences
Classification: Likely benign for CHD5-related condition. Last evaluated: 2024-06-18. Review status: no assertion criteria provided. Collection method: clinical testing. Allele origin: germline.
Comment: This variant is classified as likely benign based on ACMG/AMP sequence variant interpretation guidelines (Richards et al. 2015 PMID: 25741868, with internal and published modifications).